The following is an entry in ClinVar:

ClinVar aggregate classification (germline): Conflicting classifications of pathogenicity. Review status: criteria provided, conflicting classifications (1 of 4 stars). 4 submissions from 4 submitters: Pathogenic (1); Likely pathogenic (2); Uncertain significance (1). Last evaluated 2026-01-05.

Conditions:
Niemann-Pick disease, type C1. Also called: NEUROVISCERAL STORAGE DISEASE WITH VERTICAL SUPRANUCLEAR OPHTHALMOPLEGIA; NIEMANN-PICK DISEASE WITH CHOLESTEROL ESTERIFICATION BLOCK; NIEMANN-PICK DISEASE WITHOUT SPHINGOMYELINASE DEFICIENCY; NIEMANN-PICK DISEASE, CHRONIC NEURONOPATHIC FORM; NIEMANN-PICK DISEASE, VARIANT TYPE C1. Identifiers: Orphanet 646, MedGen C3179455, MONDO:0009757, OMIM 257220.
Niemann-Pick disease, type C (NPC). Identifiers: Orphanet 646, MedGen C0220756, MONDO:0018982.

Allele frequency attached by ClinVar (database versions not stated): gnomAD 0.00001; ExAC 0.00002; gnomAD exomes 0.00002; TOPMed 0.00002.

Submissions (4):

Labcorp Genetics (formerly Invitae), Labcorp
Classification: Pathogenic for Niemann-Pick disease, type C1. Last evaluated: 2026-01-05. Review status: criteria provided, single submitter. Criteria: Invitae Variant Classification Sherloc (09022015). Collection method: clinical testing. Allele origin: germline.
Comment: This sequence change replaces arginine, which is basic and polar, with glutamine, which is neutral and polar, at codon 1077 of the NPC1 protein (p.Arg1077Gln). This variant is present in population databases (rs534280005, gnomAD 0.003%). This missense change has been observed in individual(s) with Niemann-Pick disease type C (PMID: 19252935, 26981555, 27550898, 35455589). ClinVar contains an entry for this variant (Variation ID: 808372). Invitae Evidence Modeling of protein sequence and biophysical properties (such as structural, functional, and spatial information, amino acid conservation, physicochemical variation, residue mobility, and thermodynamic stability) indicates that this missense variant is not expected to disrupt NPC1 protein function with a negative predictive value of 95%. Experimental studies have shown that this missense change affects NPC1 function (PMID: 31699992). For these reasons, this variant has been classified as Pathogenic.

Myriad Genetics, Inc.
Classification: Likely pathogenic for Niemann-Pick disease, type C1. Last evaluated: 2025-05-09. Review status: criteria provided, single submitter. Criteria: Myriad Autosomal Dominant, Autosomal Recessive and X-Linked Classification Criteria (2023). Collection method: clinical testing. Allele origin: unknown.
Comment: NM_000271.4(NPC1):c.3230G>A(R1077Q) is a missense variant classified as likely pathogenic in the context of Niemann-Pick disease type C1. R1077Q has been observed in cases with relevant disease (PMID: 32138288, 27550898, 26981555, 35455589). Relevant functional assessments of this variant are available in the literature (PMID: 31699992, 28193631). R1077Q has been observed in referenced population frequency databases. In summary, NM_000271.4(NPC1):c.3230G>A(R1077Q) is a missense variant that has functional support for pathogenicity and has been observed more frequently in cases with the relevant disease than in healthy populations. Please note: this variant was assessed in the context of healthy population screening.

Women's Health and Genetics/Laboratory Corporation of America, LabCorp
Classification: Likely pathogenic for Niemann-Pick disease, type C. Last evaluated: 2025-03-03. Review status: criteria provided, single submitter. Criteria: LabCorp Variant Classification Summary - May 2015. Collection method: clinical testing. Allele origin: germline.
Comment: Variant summary: NPC1 c.3230G>A (p.Arg1077Gln) results in a conservative amino acid change located in the Endolum-loop I (Fancello_2009) of the encoded protein sequence. Four of five in-silico tools predict a benign effect of the variant on protein function. The variant allele was found at a frequency of 1.6e-05 in 251198 control chromosomes.c.3230G>A has been reported in the literature in individuals affected with Niemann-Pick Disease Type C (e.g. Fancello_2009, Kumar_2016, Reunert_2016). These data indicate that the variant is likely to be associated with disease. Experimental evidence evaluating an impact on protein function demonstrated the variant to exhibit an intermediate level of trafficking from the endoplasmic reticulum and to result in higher levels of cholesterol compared to wild-type in transfected cells (Pipalia_2017, Wang_2019). The following publications have been ascertained in the context of this evaluation (PMID: 26981555, 19252935, 32138288, 25888393, 27550898, 28193631, 31699992). ClinVar contains an entry for this variant (Variation ID: 808372). Based on the evidence outlined above, the variant was classified as likely pathogenic.

CeGaT Center for Human Genetics Tuebingen
Classification: Uncertain significance. Last evaluated: 2019-05-01. Review status: criteria provided, single submitter. Criteria: CeGaT Center For Human Genetics Tuebingen Variant Classification Criteria Version 2. Collection method: clinical testing. Allele origin: germline. Affected: yes. Observed: 1 variant allele.

Literature cited by the submitters: PubMed 19252935 (cited by Labcorp Genetics (formerly Invitae), Labcorp and Women's Health and Genetics/Laboratory Corporation of America, LabCorp); PubMed 26981555 (cited by 3 submitters); PubMed 27550898 (cited by 3 submitters); PubMed 35455589 (cited by Labcorp Genetics (formerly Invitae), Labcorp and Myriad Genetics, Inc.); PubMed 31699992 (cited by 3 submitters); PubMed 28193631 (cited by Myriad Genetics, Inc. and Women's Health and Genetics/Laboratory Corporation of America, LabCorp); PubMed 32138288 (cited by Myriad Genetics, Inc. and Women's Health and Genetics/Laboratory Corporation of America, LabCorp); PubMed 25888393 (cited by Women's Health and Genetics/Laboratory Corporation of America, LabCorp).

NM_000271.5(NPC1):c.3230G>A (p.Arg1077Gln)

Gene: NPC1 (NPC intracellular cholesterol transporter 1; minus strand). Cytogenetic location: 18q11.2.
Variant type: single nucleotide variant.
Coding change: c.3230G>A on transcript NM_000271.5 (MANE Select); coding-DNA position 3230, G replaced by A.
Protein change: p.Arg1077Gln; replaces arginine 1077 with glutamine.
Molecular consequence: missense variant.
Genome position (GRCh38, 1-based): chr18:23,536,688, C>T on the plus strand (G>A on the coding strand, the complement: NPC1 is on the minus strand). VCF-style: chr18-23536688-C-T. GRCh37 (hg19) VCF-style: chr18-21116652-C-T.
Other names: short protein forms R1077Q.
Identifiers: ClinVar variation 808372 (VCV000808372.49), dbSNP rs534280005, ClinGen allele CA8912837.
Genomic context (GRCh38, chr18:23,536,688, plus strand): 5'-AGGCCCTTTGCTGGGTAAACCCCATTGAAAAAGGGCAGGCTTTACCTGTAAGGAAATACT[C>T]GGTAGGCACTGCCGTTAATGCCCATGGTTTCGGTGACATTACTGGCTATAAGTCGGGCTT-3'
Protein context (NP_000262.2, residues 1067-1087): ETMGINGSAY[Arg1077Gln]VFPYSVFYVF